The following is an entry in ClinVar:

NM_005732.4(RAD50):c.3362T>G (p.Leu1121Arg)

Gene: RAD50 (RAD50 double strand break repair protein; plus strand). Cytogenetic location: 5q31.1.
Variant type: single nucleotide variant.
Coding change: c.3362T>G on transcript NM_005732.4 (MANE Select); coding-DNA position 3362, T replaced by G.
Protein change: p.Leu1121Arg; replaces leucine 1121 with arginine.
Molecular consequence: missense variant.
Genome position (GRCh38, 1-based): chr5:132,618,267, T>G. VCF-style: chr5-132618267-T-G. GRCh37 (hg19) VCF-style: chr5-131953959-T-G.
Other names: short protein forms L1121R.
Identifiers: ClinVar variation 1367573 (VCV001367573.8), dbSNP rs2149853980, ClinGen allele CA360964990.

ClinVar aggregate classification (germline): Uncertain significance (1 of 4 stars; one submission).

Conditions:
Hereditary cancer-predisposing syndrome. Also called: Neoplastic Syndromes, Hereditary; Tumor predisposition; Hereditary neoplastic syndrome; Hereditary Cancer Syndrome. Identifiers: Orphanet 140162, MedGen C0027672, MeSH D009386, MONDO:0015356.

Submission:

Labcorp Genetics (formerly Invitae), Labcorp
Classification: Uncertain significance for Hereditary cancer-predisposing syndrome. Last evaluated: 2021-07-14. Review status: criteria provided, single submitter. Criteria: Invitae Variant Classification Sherloc (09022015). Collection method: clinical testing. Allele origin: germline.
Comment: In summary, the available evidence is currently insufficient to determine the role of this variant in disease. Therefore, it has been classified as a Variant of Uncertain Significance. Algorithms developed to predict the effect of missense changes on protein structure and function are either unavailable or do not agree on the potential impact of this missense change (SIFT: "Deleterious"; PolyPhen-2: "Probably Damaging"; Align-GVGD: "Class C0"). This sequence change replaces leucine with arginine at codon 1121 of the RAD50 protein (p.Leu1121Arg). The leucine residue is highly conserved and there is a moderate physicochemical difference between leucine and arginine. This variant is not present in population databases (ExAC no frequency). This variant has not been reported in the literature in individuals affected with RAD50-related conditions.